The following is an entry in ClinVar:

NM_000321.3(RB1):c.926A>C (p.Asn309Thr)

Gene: RB1 (RB transcriptional corepressor 1; plus strand). Cytogenetic location: 13q14.2.
Variant type: single nucleotide variant.
Coding change: c.926A>C on transcript NM_000321.3 (MANE Select); coding-DNA position 926, A replaced by C.
Protein change: p.Asn309Thr; replaces asparagine 309 with threonine.
Molecular consequence: missense variant.
Genome position (GRCh38, 1-based): chr13:48,364,958, A>C. VCF-style: chr13-48364958-A-C. GRCh37 (hg19) VCF-style: chr13-48939094-A-C.
Other names: c.926A>C, p.Asn309Thr (NM_001407165.1, NM_001407166.1); short protein forms N309T.
Identifiers: ClinVar variation 3787272 (VCV003787272.1).

ClinVar aggregate classification (germline): Uncertain significance (1 of 4 stars; one submission).

Conditions:
Hereditary cancer-predisposing syndrome. Also called: Neoplastic Syndromes, Hereditary; Hereditary Cancer Syndrome; Tumor predisposition; Hereditary neoplastic syndrome. Identifiers: Orphanet 140162, MedGen C0027672, MeSH D009386, MONDO:0015356.

Submission:

Ambry Genetics
Classification: Uncertain significance for Hereditary cancer-predisposing syndrome. Last evaluated: 2024-12-20. Review status: criteria provided, single submitter. Criteria: Ambry Variant Classification Scheme 2023. Collection method: clinical testing. Allele origin: germline.
Comment: The p.N309T variant (also known as c.926A>C), located in coding exon 9 of the RB1 gene, results from an A to C substitution at nucleotide position 926. The asparagine at codon 309 is replaced by threonine, an amino acid with similar properties. This amino acid position is conserved. In addition, this alteration is predicted to be tolerated by in silico analysis. Based on the available evidence, the clinical significance of this variant remains unclear.